The following is an entry in ClinVar:

ClinVar aggregate classification (germline): Pathogenic (1 of 4 stars; one submission).

Conditions:
Acute infantile liver failure due to synthesis defect of mtDNA-encoded proteins. Also called: Liver failure acute infantile; LIVER FAILURE, INFANTILE, TRANSIENT; TRMU Deficiency. Identifiers: Orphanet 217371, MedGen C3278664, MONDO:0013111, OMIM 613070.

Submission:

Myriad Genetics, Inc.
Classification: Pathogenic for Acute infantile liver failure due to synthesis defect of mtDNA-encoded proteins. Last evaluated: 2024-02-14. Review status: criteria provided, single submitter. Criteria: Myriad Autosomal Dominant, Autosomal Recessive and X-Linked Classification Criteria (2023). Collection method: clinical testing. Allele origin: unknown.
Comment: NM_018006.4(TRMU):c.64_65delCT(L22Afs*22) is expected to be pathogenic in the context of acute liver failure, TRMU-related. This variant is predicted to lead to an abnormal or absent protein product due to the creation of a premature termination codon in TRMU, a gene where loss-of-function variants are known to be pathogenic. Please note: this variant was assessed in the context of healthy population screening.

NM_018006.5(TRMU):c.64_65del (p.Leu22fs)

Gene: TRMU (tRNA mitochondrial 2-thiouridylase; plus strand). Cytogenetic location: 22q13.31.
Variant type: Deletion.
Coding change: c.64_65del on transcript NM_018006.5 (MANE Select); coding-DNA positions 64 to 65, 2 bases deleted (CT; older notation c.64_65delCT).
Protein change: p.Leu22fs; shifts the reading frame from leucine 22.
Molecular consequence: frameshift variant. On other transcripts: 5 prime UTR variant (3), non-coding transcript variant (2).
Genome position (GRCh38, 1-based): chr22:46,335,828-46,335,829, CT deleted. VCF-style (leftmost placement, unchanged base first): chr22-46335827-GCT-G. GRCh37 (hg19) VCF-style: chr22-46731724-GCT-G.
Other names: c.-172_-171del (NM_001282782.2); c.-191_-190del (NM_001282783.2, NM_001282784.2); c.64_65del, p.Leu22fs (NM_001282785.2); short protein forms L22fs.
Identifiers: ClinVar variation 5012736 (VCV005012736.1).